The following is an entry in ClinVar:

NM_001080397.3(SLC45A1):c.1605C>T (p.Leu535=)

Gene: SLC45A1 (solute carrier family 45 member 1; plus strand). Cytogenetic location: 1p36.23.
Variant type: single nucleotide variant.
Coding change: c.1605C>T on transcript NM_001080397.3 (MANE Select); coding-DNA position 1605, C replaced by T.
Protein change: p.Leu535=; no amino-acid change (leucine 535 retained).
Molecular consequence: synonymous variant.
Genome position (GRCh38, 1-based): chr1:8,337,823, C>T. VCF-style: chr1-8337823-C-T. GRCh37 (hg19) VCF-style: chr1-8397883-C-T.
Other names: c.1629C>T, p.Leu543= (NM_001379614.1); c.1536C>T, p.Leu512= (NM_001379615.1); c.1512C>T, p.Leu504= (NM_001379616.1); c.1023C>T, p.Leu341= (NM_001379617.1); c.999C>T, p.Leu333= (NM_001379618.1).
Identifiers: ClinVar variation 3771738 (VCV003771738.13).

ClinVar aggregate classification (germline): Likely benign (1 of 4 stars; one submission).

gnomAD v4.1: 121 of 1,613,376 alleles (0.0075%); highest among the groups gnomAD compares: Non-Finnish European, 0.0095%; no homozygotes.

Submission:

CeGaT Center for Human Genetics Tuebingen
Classification: Likely benign. Last evaluated: 2025-02-01. Review status: criteria provided, single submitter. Criteria: CeGaT Center For Human Genetics Tuebingen Variant Classification Criteria Version 2. Collection method: clinical testing. Allele origin: germline. Affected: yes. Observed: 1 variant allele.
Comment: SLC45A1: BP4, BP7